The following is an entry in ClinVar:

ClinVar aggregate classification (germline): Uncertain significance. Review status: criteria provided, multiple submitters, no conflicts (2 of 4 stars). 4 submissions from 4 submitters: Uncertain significance (4). Last evaluated 2025-11-25.

Conditions:
Alstrom syndrome (ALMS). Identifiers: Orphanet 64, MedGen C0268425, MONDO:0008763, OMIM 203800.
Cardiovascular phenotype. Identifiers: MedGen CN230736.

Allele frequency attached by ClinVar (database versions not stated): gnomAD exomes below 0.00001.
gnomAD v4.1: 3 of 1,613,040 alleles (0.00019%); highest among the groups gnomAD compares: South Asian, 0.0011%; no homozygotes.

Submissions (4):

Women's Health and Genetics/Laboratory Corporation of America, LabCorp
Classification: Uncertain significance. Last evaluated: 2025-11-25. Review status: criteria provided, single submitter. Criteria: LabCorp Variant Classification Summary - May 2015. Collection method: clinical testing. Allele origin: germline.
Comment: Variant summary: ALMS1 c.338C>T (p.Thr113Ile), also known as c.341C>T (p.Thr114Ile) in RefSeq, results in a non-conservative amino acid change in the encoded protein sequence. Algorithms developed to predict the effect of missense changes on protein structure and function are either unavailable or do not agree on the potential impact of this missense change. The variant was absent in 249324 control chromosomes. The available data on variant occurrences in the general population are insufficient to allow any conclusion about variant significance. To our knowledge, no occurrence of c.338C>T in individuals affected with ALMS1-related conditions and no experimental evidence demonstrating its impact on protein function have been reported. ClinVar contains an entry for this variant (Variation ID: 576921). Based on the evidence outlined above, the variant was classified as uncertain significance.

Ambry Genetics
Classification: Uncertain significance for Cardiovascular phenotype. Last evaluated: 2025-01-10. Review status: criteria provided, single submitter. Criteria: Ambry Variant Classification Scheme 2023. Collection method: clinical testing. Allele origin: germline.
Comment: The p.T114I variant (also known as c.341C>T), located in coding exon 2 of the ALMS1 gene, results from a C to T substitution at nucleotide position 341. The threonine at codon 114 is replaced by isoleucine, an amino acid with similar properties. This amino acid position is well conserved in available vertebrate species. In addition, this alteration is predicted to be tolerated by in silico analysis. Based on the available evidence, the clinical significance of this variant remains unclear.

Labcorp Genetics (formerly Invitae), Labcorp
Classification: Uncertain significance for Alstrom syndrome. Last evaluated: 2022-08-09. Review status: criteria provided, single submitter. Criteria: Invitae Variant Classification Sherloc (09022015). Collection method: clinical testing. Allele origin: germline.
Comment: This sequence change replaces threonine, which is neutral and polar, with isoleucine, which is neutral and non-polar, at codon 114 of the ALMS1 protein (p.Thr114Ile). This variant is not present in population databases (gnomAD no frequency). This variant has not been reported in the literature in individuals affected with ALMS1-related conditions. ClinVar contains an entry for this variant (Variation ID: 576921). Experimental studies and prediction algorithms are not available or were not evaluated, and the functional significance of this variant is currently unknown. In summary, the available evidence is currently insufficient to determine the role of this variant in disease. Therefore, it has been classified as a Variant of Uncertain Significance.

GeneDx
Classification: Uncertain significance. Last evaluated: 2020-10-28. Review status: criteria provided, single submitter. Criteria: GeneDx Variant Classification Process June 2021. Collection method: clinical testing. Allele origin: germline. Affected: yes.
Comment: Not observed in large population cohorts (Lek et al., 2016); In silico analysis supports that this missense variant does not alter protein structure/function; Has not been previously published as pathogenic or benign to our knowledge

NM_001378454.1(ALMS1):c.338C>T (p.Thr113Ile)

Gene: ALMS1 (ALMS1 centrosome and basal body associated protein; plus strand). Cytogenetic location: 2p13.1.
Variant type: single nucleotide variant.
Coding change: c.338C>T on transcript NM_001378454.1 (MANE Select); coding-DNA position 338, C replaced by T.
Protein change: p.Thr113Ile; replaces threonine 113 with isoleucine.
Molecular consequence: missense variant.
Genome position (GRCh38, 1-based): chr2:73,408,635, C>T. VCF-style: chr2-73408635-C-T. GRCh37 (hg19) VCF-style: chr2-73635763-C-T.
Other names: c.341C>T, p.Thr114Ile (NM_015120.4); short protein forms T114I, T113I.
Identifiers: ClinVar variation 576921 (VCV000576921.7), dbSNP rs1417754706, ClinGen allele CA347257511.